The following is an entry in ClinVar:

ClinVar aggregate classification (germline): Uncertain significance (1 of 4 stars; one submission).

Allele frequency attached by ClinVar (database versions not stated): gnomAD exomes below 0.00001.
gnomAD v4.1: 1 of 1,614,254 alleles (0.000062%); highest among the groups gnomAD compares: Non-Finnish European, 0.000085%; no homozygotes.

Submission:

Ambry Genetics
Classification: Uncertain significance. Last evaluated: 2023-03-22. Review status: criteria provided, single submitter. Criteria: Ambry Variant Classification Scheme 2023. Collection method: clinical testing. Allele origin: germline.
Comment: The p.L191M variant (also known as c.571C>A), located in coding exon 7 of the RAD54L gene, results from a C to A substitution at nucleotide position 571. The leucine at codon 191 is replaced by methionine, an amino acid with highly similar properties. This amino acid position is conserved. In addition, this alteration is predicted to be deleterious by in silico analysis. Since supporting evidence is limited at this time, the clinical significance of this alteration remains unclear.

NM_003579.4(RAD54L):c.571C>A (p.Leu191Met)

Gene: RAD54L (RAD54 like; plus strand). Cytogenetic location: 1p34.1.
Variant type: single nucleotide variant.
Coding change: c.571C>A on transcript NM_003579.4 (MANE Select); coding-DNA position 571, C replaced by A.
Protein change: p.Leu191Met; replaces leucine 191 with methionine.
Molecular consequence: missense variant.
Genome position (GRCh38, 1-based): chr1:46,260,820, C>A. VCF-style: chr1-46260820-C-A. GRCh37 (hg19) VCF-style: chr1-46726492-C-A.
Other names: c.571C>A, p.Leu191Met (NM_001142548.2); c.31C>A, p.Leu11Met (NM_001370766.1); short protein forms L191M, L11M.
Identifiers: ClinVar variation 2560366 (VCV002560366.2), dbSNP rs1474485479, ClinGen allele CA340186133.